The following is an entry in ClinVar:

NM_001033855.3(DCLRE1C):c.481dup (p.Ser161fs)

Gene: DCLRE1C (DNA cross-link repair 1C; minus strand). Cytogenetic location: 10p13.
Variant type: Duplication.
Coding change: c.481dup on transcript NM_001033855.3 (MANE Select); coding-DNA position 481, one base duplicated (A; older notation c.481dupA).
Protein change: p.Ser161fs; shifts the reading frame from serine 161.
Molecular consequence: frameshift variant. On other transcripts: non-coding transcript variant (4).
Genome position (GRCh38, 1-based): chr10:14,934,759, T duplicated on the plus strand (A on the coding strand, the reverse complement: DCLRE1C is on the minus strand); the first of 3 consecutive T bases (chr10:14,934,759-14,934,761); duplicating any one gives the same sequence. VCF-style (leftmost placement, unchanged base first): chr10-14934758-C-CT. GRCh37 (hg19) VCF-style: chr10-14976757-C-CT.
Other names: c.121dup, p.Ser41fs (NM_001033857.3, NM_001033858.3, NM_001289077.2 and 2 more transcripts); c.136dup, p.Ser46fs (NM_001289076.2, NM_001289078.2, NM_001350966.2 and 1 more transcripts); c.481dup, p.Ser161fs (NM_001350965.2); short protein forms S41fs, S46fs, S161fs.
Identifiers: ClinVar variation 852427 (VCV000852427.7), dbSNP rs1839622622, ClinGen allele CA916081567.

ClinVar aggregate classification (germline): Pathogenic (1 of 4 stars; one submission).

Conditions:
Severe combined immunodeficiency due to DCLRE1C deficiency (RS-SCID). Also called: SCID, AUTOSOMAL RECESSIVE, T CELL-NEGATIVE, B CELL-NEGATIVE, NK CELL-POSITIVE, WITH SENSITIVITY TO IONIZING RADIATION. Identifiers: Orphanet 275, MedGen C1865371, MONDO:0011225, OMIM 602450.

Submission:

Labcorp Genetics (formerly Invitae), Labcorp
Classification: Pathogenic for Athabaskan severe combined immunodeficiency. Last evaluated: 2019-11-21. Review status: criteria provided, single submitter. Criteria: Invitae Variant Classification Sherloc (09022015). Collection method: clinical testing. Allele origin: germline.
Comment: This sequence change creates a premature translational stop signal (p.Ser161Lysfs*10) in the DCLRE1C gene. It is expected to result in an absent or disrupted protein product. This variant is not present in population databases (ExAC no frequency). This variant has not been reported in the literature in individuals with DCLRE1C-related conditions. Loss-of-function variants in DCLRE1C are known to be pathogenic (PMID: 21664875, 26123418). For these reasons, this variant has been classified as Pathogenic.

Literature cited by the submitters: PubMed 21664875; PubMed 26123418.